The following is an entry in ClinVar:

ClinVar aggregate classification (germline): Uncertain significance (1 of 4 stars; one submission).

Conditions:
Emery-Dreifuss muscular dystrophy 5, autosomal dominant (EDMD5). Also called: EMERY-DREIFUSS MUSCULAR DYSTROPHY 5. Identifiers: Orphanet 261, MedGen C2751805, MONDO:0013072, OMIM 612999.

Allele frequency attached by ClinVar (database versions not stated): gnomAD exomes below 0.00001.

Submission:

Labcorp Genetics (formerly Invitae), Labcorp
Classification: Uncertain significance for Emery-Dreifuss muscular dystrophy 5, autosomal dominant. Last evaluated: 2024-05-07. Review status: criteria provided, single submitter. Criteria: Invitae Variant Classification Sherloc (09022015). Collection method: clinical testing. Allele origin: germline.
Comment: This sequence change replaces threonine, which is neutral and polar, with isoleucine, which is neutral and non-polar, at codon 5293 of the SYNE2 protein (p.Thr5293Ile). This variant is present in population databases (no rsID available, gnomAD 0.003%). This variant has not been reported in the literature in individuals affected with SYNE2-related conditions. ClinVar contains an entry for this variant (Variation ID: 2125145). An algorithm developed to predict the effect of missense changes on protein structure and function (PolyPhen-2) suggests that this variant is likely to be tolerated. In summary, the available evidence is currently insufficient to determine the role of this variant in disease. Therefore, it has been classified as a Variant of Uncertain Significance.

NM_182914.3(SYNE2):c.15878C>T (p.Thr5293Ile)

Gene: SYNE2 (spectrin repeat containing nuclear envelope protein 2; plus strand). Cytogenetic location: 14q23.2.
Variant type: single nucleotide variant.
Coding change: c.15878C>T on transcript NM_182914.3 (MANE Select); coding-DNA position 15878, C replaced by T.
Protein change: p.Thr5293Ile; replaces threonine 5293 with isoleucine.
Molecular consequence: missense variant.
Genome position (GRCh38, 1-based): chr14:64,158,710, C>T. VCF-style: chr14-64158710-C-T. GRCh37 (hg19) VCF-style: chr14-64625428-C-T.
Other names: c.15878C>T, p.Thr5293Ile (NM_015180.6); short protein forms T5293I.
Identifiers: ClinVar variation 2125145 (VCV002125145.4), dbSNP rs1276461372, ClinGen allele CA389954682.